The following is an entry in ClinVar:

NM_001009999.3(KDM1A):c.1060G>A (p.Val354Ile)

Gene: KDM1A (lysine demethylase 1A; plus strand). Cytogenetic location: 1p36.12.
Variant type: single nucleotide variant.
Coding change: c.1060G>A on transcript NM_001009999.3 (MANE Select); coding-DNA position 1060, G replaced by A.
Protein change: p.Val354Ile; replaces valine 354 with isoleucine.
Molecular consequence: missense variant.
Genome position (GRCh38, 1-based): chr1:23,057,553, G>A. VCF-style: chr1-23057553-G-A. GRCh37 (hg19) VCF-style: chr1-23384046-G-A.
Other names: c.1000G>A, p.Val334Ile (NM_001363654.2, NM_001410763.1, NM_015013.4); c.1060G>A, p.Val354Ile (NM_001410762.1); short protein forms V334I, V354I.
Identifiers: ClinVar variation 3532929 (VCV003532929.1).
Genomic context (GRCh38, chr1:23,057,553, plus strand): 5'-GGTGGACGAGTTGCCACATTTCGCAAAGGAAACTATGTAGCTGATCTTGGAGCCATGGTG[G>A]TAACAGGTCTTGGTAAGTAGCTATTGGTTTGTGCTATATAGTACATGGTCTAAGACTCAT-3'
Protein context (NP_001009999.1, residues 344-364): NYVADLGAMV[Val354Ile]TGLGGNPMAV

ClinVar aggregate classification (germline): Uncertain significance (1 of 4 stars; one submission).

Conditions:
Inborn genetic diseases. Identifiers: MedGen C0950123, MeSH D030342.

Submission:

Ambry Genetics
Classification: Uncertain significance for Inborn genetic diseases. Last evaluated: 2024-11-23. Review status: criteria provided, single submitter. Criteria: Ambry Variant Classification Scheme 2023. Collection method: clinical testing. Allele origin: germline.
Comment: The p.V354I variant (also known as c.1060G>A), located in coding exon 8 of the KDM1A gene, results from a G to A substitution at nucleotide position 1060. The valine at codon 354 is replaced by isoleucine, an amino acid with highly similar properties. This amino acid position is conserved. In addition, the in silico prediction for this alteration is inconclusive. Based on the available evidence, the clinical significance of this variant remains unclear.